The following is an entry in ClinVar:

ClinVar aggregate classification (germline): Uncertain significance (1 of 4 stars; one submission).

Conditions:
Hereditary cancer-predisposing syndrome. Also called: Neoplastic Syndromes, Hereditary; Tumor predisposition; Hereditary Cancer Syndrome; Hereditary neoplastic syndrome. Identifiers: Orphanet 140162, MedGen C0027672, MeSH D009386, MONDO:0015356.

Submission:

Ambry Genetics
Classification: Uncertain significance for Hereditary cancer-predisposing syndrome. Last evaluated: 2026-02-19. Review status: criteria provided, single submitter. Criteria: Ambry Variant Classification Scheme 2023. Collection method: clinical testing. Allele origin: germline.
Comment: The c.51_56delGGCCCG variant (also known as p.A18_R19del) is located in coding exon 1 of the POLD1 gene. This variant results from an in-frame GGCCCG deletion at nucleotide positions 51 to 56. This results in the in-frame deletion of two residues at codons 18 to 19. This amino acid region is well conserved in available vertebrate species. In addition, the in silico prediction for this variant is inconclusive (Choi Y et al. PLoS ONE. 2012; 7(10):e46688). Based on the available evidence, the clinical significance of this variant remains unclear.

NM_002691.4(POLD1):c.51_56del (p.Ala18_Arg19del)

Gene: POLD1 (DNA polymerase delta 1, catalytic subunit; plus strand). Cytogenetic location: 19q13.33.
Variant type: Deletion.
Coding change: c.51_56del on transcript NM_002691.4 (MANE Select); coding-DNA positions 51 to 56, 6 bases deleted (GGCCCG; older notation c.51_56delGGCCCG).
Protein change: p.Ala18_Arg19del.
Molecular consequence: non-coding transcript variant (on NR_046402.2).
Genome position (GRCh38, 1-based): chr19:50,398,902-50,398,907, GGCCCG deleted; deleting any 6 consecutive bases within chr19:50,398,900-50,398,907 gives the same sequence; the c. name uses the placement nearest the transcript's 3' end. VCF-style (leftmost placement, unchanged base first): chr19-50398899-GCGGGCC-G. GRCh37 (hg19) VCF-style: chr19-50902156-GCGGGCC-G.
Other names: c.51_56del, p.Ala18_Arg19del (NM_001256849.1, NM_001308632.1, NM_001438210.1 and 3 more transcripts).
Identifiers: ClinVar variation 4843037 (VCV004843037.1).